The following is an entry in ClinVar:

NM_001276270.2(MBD4):c.914A>G (p.Glu305Gly)

Gene: MBD4 (methyl-CpG binding domain 4, DNA glycosylase; minus strand). Cytogenetic location: 3q21.3.
Variant type: single nucleotide variant.
Coding change: c.914A>G on transcript NM_001276270.2 (MANE Select); coding-DNA position 914, A replaced by G.
Protein change: p.Glu305Gly; replaces glutamic acid 305 with glycine.
Molecular consequence: missense variant. On other transcripts: intron variant (1).
Genome position (GRCh38, 1-based): chr3:129,436,730, T>C on the plus strand (A>G on the coding strand, the complement: MBD4 is on the minus strand). VCF-style: chr3-129436730-T-C. GRCh37 (hg19) VCF-style: chr3-129155573-T-C.
Other names: c.914A>G, p.Glu305Gly (NM_001276271.2, NM_001276272.2, NM_003925.3); c.247+1078A>G (NM_001276273.2); short protein forms E305G.
Identifiers: ClinVar variation 4825708 (VCV004825708.1).

ClinVar aggregate classification (germline): Uncertain significance (1 of 4 stars; one submission).

Conditions:
Inborn genetic diseases. Identifiers: MedGen C0950123, MeSH D030342.

Submission:

Ambry Genetics
Classification: Uncertain significance for Inborn genetic diseases. Last evaluated: 2026-02-11. Review status: criteria provided, single submitter. Criteria: Ambry Variant Classification Scheme 2023. Collection method: clinical testing. Allele origin: germline.
Comment: The p.E305G variant (also known as c.914A>G), located in coding exon 3 of the MBD4 gene, results from an A to G substitution at nucleotide position 914. The glutamic acid at codon 305 is replaced by glycine, an amino acid with similar properties. This amino acid position is well conserved in available vertebrate species. In addition, this alteration is predicted to be tolerated by in silico analysis. Based on the available evidence, the clinical significance of this variant remains unclear.